The following is an entry in ClinVar:

ClinVar aggregate classification (germline): Uncertain significance (1 of 4 stars; one submission).

Conditions:
Duchenne muscular dystrophy (DMD). Also called: Duchenne Muscular Dystrophy (DMD); MUSCULAR DYSTROPHY, PSEUDOHYPERTROPHIC PROGRESSIVE, DUCHENNE TYPE. Identifiers: Orphanet 98896, MedGen C0013264, MONDO:0010679, OMIM 310200.

gnomAD v4.1: 2 of 1,205,895 alleles (0.00017%); highest among the groups gnomAD compares: African/African-American, 0.0035%; no homozygotes.

Submission:

Labcorp Genetics (formerly Invitae), Labcorp
Classification: Uncertain significance for Duchenne muscular dystrophy. Last evaluated: 2025-04-08. Review status: criteria provided, single submitter. Criteria: Invitae Variant Classification Sherloc (09022015). Collection method: clinical testing. Allele origin: germline.
Comment: This sequence change replaces leucine, which is neutral and non-polar, with tryptophan, which is neutral and slightly polar, at codon 2351 of the DMD protein (p.Leu2351Trp). This variant is present in population databases (rs374862112, gnomAD 0.02%). This variant has not been reported in the literature in individuals affected with DMD-related conditions. Invitae Evidence Modeling of protein sequence and biophysical properties (such as structural, functional, and spatial information, amino acid conservation, physicochemical variation, residue mobility, and thermodynamic stability) indicates that this missense variant is not expected to disrupt DMD protein function with a negative predictive value of 95%. In summary, the available evidence is currently insufficient to determine the role of this variant in disease. Therefore, it has been classified as a Variant of Uncertain Significance.

NM_004006.3(DMD):c.7052T>G (p.Leu2351Trp)

Gene: DMD (dystrophin; minus strand). Cytogenetic location: Xp21.1.
Variant type: single nucleotide variant.
Coding change: c.7052T>G on transcript NM_004006.3 (MANE Select); coding-DNA position 7052, T replaced by G.
Protein change: p.Leu2351Trp; replaces leucine 2351 with tryptophan.
Molecular consequence: missense variant. On other transcripts: 5 prime UTR variant (5).
Genome position (GRCh38, 1-based): chrX:31,875,234, A>C on the plus strand (T>G on the coding strand, the complement: DMD is on the minus strand). VCF-style: chrX-31875234-A-C. GRCh37 (hg19) VCF-style: chrX-31893351-A-C.
Other names: c.7028T>G, p.Leu2343Trp (NM_000109.4); c.7040T>G, p.Leu2347Trp (NM_004009.3); c.6683T>G, p.Leu2228Trp (NM_004010.3); c.3029T>G, p.Leu1010Trp (NM_004011.4); c.3020T>G, p.Leu1007Trp (NM_004012.4); c.-329T>G (NM_004013.3, NM_004020.4, NM_004021.3 and 2 more transcripts); short protein forms L1007W, L1010W, L2228W, L2343W, L2347W, L2351W.
Identifiers: ClinVar variation 4807027 (VCV004807027.1).
Genomic context (GRCh38, chrX:31,875,234, plus strand): 5'-AAAAAGTTCCCTACCTTAACGTCAAATGGTCCTTCTTGGTTTGGTTGGTTATAAATTTCC[A>C]ACTGATTCCTAATAGGAGATAACCACAGCAGCAGATGATTTAACTGCTCTTCAAGGTCTT-3'
Protein context (NP_003997.2, residues 2341-2361): LLWLSPIRNQ[Leu2351Trp]EIYNQPNQEG